The following is an entry in ClinVar:

NM_001482.3(GATM):c.979-12_979-11del

Gene: GATM (glycine amidinotransferase; minus strand). Cytogenetic location: 15q21.1.
Variant type: Deletion.
Coding change: c.979-12_979-11del on transcript NM_001482.3 (MANE Select); 12 bases into the intron before coding-DNA position 979 through 11 bases into the intron before coding-DNA position 979, 2 bases deleted (TT; older notation c.979-12_979-11delTT).
Molecular consequence: intron variant.
Genome position (GRCh38, 1-based): chr15:45,364,871-45,364,872, AA deleted on the plus strand (TT on the coding strand, the reverse complement: GATM is on the minus strand); deleting any 2 consecutive bases within chr15:45,364,871-45,364,878 gives the same sequence; the c. name uses the placement nearest the transcript's 3' end. VCF-style (leftmost placement, unchanged base first): chr15-45364870-CAA-C. GRCh37 (hg19) VCF-style: chr15-45657068-CAA-C.
Other names: c.592-12_592-11del (NM_001321015.2); c.979-12_979-11delTT (NM_001482.2).
Identifiers: ClinVar variation 418599 (VCV000418599.8), dbSNP rs202176047, ClinGen allele CA16619935.

ClinVar aggregate classification (germline): Benign/Likely benign. Review status: criteria provided, multiple submitters, no conflicts (2 of 4 stars). 2 submissions from 2 submitters: Benign (1); Likely benign (1). Last evaluated 2024-02-09.

Conditions:
Arginine:glycine amidinotransferase deficiency (CCDS3). Also called: Creatine deficiency syndrome due to AGAT deficiency; GATM deficiency; Cerebral creatine deficiency syndrome 3; L-Arginine:Glycine Amidinotransferase (AGAT) Deficiency; L-Arginine:Glycine Amidinotransferase Deficiency; AGAT deficiency. Identifiers: Orphanet 35704, MedGen C2675179, MONDO:0012996, OMIM 612718.

Submissions (2):

Labcorp Genetics (formerly Invitae), Labcorp
Classification: Benign for Arginine:glycine amidinotransferase deficiency. Last evaluated: 2024-02-09. Review status: criteria provided, single submitter. Criteria: Invitae Variant Classification Sherloc (09022015). Collection method: clinical testing. Allele origin: germline.

GeneDx
Classification: Likely benign. Last evaluated: 2016-12-09. Review status: criteria provided, single submitter. Criteria: GeneDx Variant Classification (06012015). Collection method: clinical testing. Allele origin: germline. Affected: yes.
Comment: This variant is considered likely benign or benign based on one or more of the following criteria: it is a conservative change, it occurs at a poorly conserved position in the protein, it is predicted to be benign by multiple in silico algorithms, and/or has population frequency not consistent with disease.